The following is an entry in ClinVar:

NM_025201.5(PLEKHO2):c.881C>A (p.Pro294His)

Gene: PLEKHO2 (pleckstrin homology domain containing O2; plus strand). Cytogenetic location: 15q22.31.
Variant type: single nucleotide variant.
Coding change: c.881C>A on transcript NM_025201.5 (MANE Select); coding-DNA position 881, C replaced by A.
Protein change: p.Pro294His; replaces proline 294 with histidine.
Molecular consequence: missense variant.
Genome position (GRCh38, 1-based): chr15:64,865,296, C>A. VCF-style: chr15-64865296-C-A. GRCh37 (hg19) VCF-style: chr15-65157495-C-A.
Other names: p.Pro294 His; c.731C>A, p.Pro244His (NM_001195059.2); short protein forms P244H, P294H.
Identifiers: ClinVar variation 3776309 (VCV003776309.1).
Genomic context (GRCh38, chr15:64,865,296, plus strand): 5'-GGGAGAACCCCAGCCCCCAGGAGGCCCCTGCTGCAGAGAGTGCAGAACCGTCCCAGGCAC[C>A]CTGTTCTGAGACTTCTGAGGCTGCCCCCAGGGAGGGTGGGAAGCCCCCTACACCCCCACC-3'
Protein context (NP_079477.2, residues 284-304): AAESAEPSQA[Pro294His]CSETSEAAPR

ClinVar aggregate classification (germline): Uncertain significance (1 of 4 stars; one submission).

Conditions:
Internal carotid artery stenosis. Identifiers: MedGen C0340569, MONDO:0005189.

gnomAD v4.1: 6 of 1,613,722 alleles (0.00037%); highest among the groups gnomAD compares: Non-Finnish European, 0.00051%; no homozygotes.

Submission:

Petrovsky National Research Centre of Surgery, The Federal Agency for Scientific Organizations
Classification: Uncertain significance for Internal carotid artery stenosis. Last evaluated: 2024-11-15. Review status: criteria provided, single submitter. Criteria: ACMG Guidelines, 2015. Collection method: clinical testing. Allele origin: germline. Inheritance: Autosomal dominant inheritance. Affected: yes. Observed: 1 heterozygote.
Comment: The variant is in The Genome Aggregation Database (gnomAD) v4.1.0 with total MAF 0.000003718 (Date of access 06-11-2024). Online bioinformatic resources classify the p.Pro294His variant as benign. Heterozygous missense mutations in PLEKHO2 predispose to thoracic aortic aneurysms and dissections. However, in the absence of the functional studies, we could only classify this genetic variant as a Variant of Uncertain Significance with following criteria: PM2, BP4.